The following is an entry in ClinVar:

ClinVar aggregate classification (germline): Likely benign. Review status: criteria provided, multiple submitters, no conflicts (2 of 4 stars). 2 submissions from 2 submitters: Likely benign (2). Last evaluated 2025-05-01.

Conditions:
Androgen resistance syndrome (AIS). Also called: DIHYDROTESTOSTERONE RECEPTOR DEFICIENCY; Androgen insensitivity syndrome due to coactivator deficiency; Androgen insensitivity; ANDROGEN RECEPTOR DEFICIENCY; Androgen insensitivity, complete; TESTICULAR FEMINIZATION SYNDROME. Identifiers: Orphanet 754, Orphanet 99429, MedGen C0039585, MONDO:0019154, OMIM 300068. Disease mechanism: loss of function.
Kennedy disease (SMAX1). Also called: KENNEDY SPINAL AND BULBAR MUSCULAR ATROPHY; SPINAL AND BULBAR MUSCULAR ATROPHY, X-LINKED 1; Spinal and Bulbar Muscular Atrophy. Identifiers: Orphanet 481, MedGen C1839259, MONDO:0010735, OMIM 313200.

Allele frequency attached by ClinVar (database versions not stated): ExAC 0.00932.

Submissions (2):

CeGaT Center for Human Genetics Tuebingen
Classification: Likely benign. Last evaluated: 2025-05-01. Review status: criteria provided, single submitter. Criteria: CeGaT Center For Human Genetics Tuebingen Variant Classification Criteria Version 2. Collection method: clinical testing. Allele origin: germline. Affected: yes. Observed: 3 variant alleles.
Comment: AR: BP4

Labcorp Genetics (formerly Invitae), Labcorp
Classification: Likely benign for Kennedy disease; Androgen resistance syndrome. Last evaluated: 2023-06-28. Review status: criteria provided, single submitter. Criteria: Invitae Variant Classification Sherloc (09022015). Collection method: clinical testing. Allele origin: germline.

NM_000044.6(AR):c.1377C>T (p.Gly459=)

Gene: AR (androgen receptor; plus strand). Cytogenetic location: Xq12.
Variant type: single nucleotide variant.
Coding change: c.1377C>T on transcript NM_000044.6 (MANE Select); coding-DNA position 1377, C replaced by T.
Protein change: p.Gly459=; no amino-acid change (glycine 459 retained).
Molecular consequence: synonymous variant. On other transcripts: 5 prime UTR variant (1).
Genome position (GRCh38, 1-based): chrX:67,546,523, C>T. VCF-style: chrX-67546523-C-T. GRCh37 (hg19) VCF-style: chrX-66766365-C-T.
Other names: c.-407C>T (NM_001011645.3); c.1377C>T, p.Gly459= (NM_001348061.1, NM_001348063.1, NM_001348064.1 and 1 more transcripts).
Identifiers: ClinVar variation 2948697 (VCV002948697.25), dbSNP rs762306174, ClinGen allele CA10436433.